The following is an entry in ClinVar:

NM_024809.5(TCTN2):c.1724C>T (p.Ala575Val)

Gene: TCTN2 (tectonic family member 2; plus strand). Cytogenetic location: 12q24.31.
Variant type: single nucleotide variant.
Coding change: c.1724C>T on transcript NM_024809.5 (MANE Select); coding-DNA position 1724, C replaced by T.
Protein change: p.Ala575Val; replaces alanine 575 with valine.
Molecular consequence: missense variant.
Genome position (GRCh38, 1-based): chr12:123,704,643, C>T. VCF-style: chr12-123704643-C-T. GRCh37 (hg19) VCF-style: chr12-124189190-C-T.
Other names: c.1721C>T, p.Ala574Val (NM_001143850.3); c.1724C>T (NM_024809.3, NM_024809.4); short protein forms A574V, A575V.
Identifiers: ClinVar variation 1498951 (VCV001498951.9), dbSNP rs763649240, ClinGen allele CA6861318.

ClinVar aggregate classification (germline): Uncertain significance. Review status: criteria provided, multiple submitters, no conflicts (2 of 4 stars). 5 submissions from 5 submitters: Uncertain significance (5). Last evaluated 2025-05-15.

Conditions:
Inborn genetic diseases. Identifiers: MedGen C0950123, MeSH D030342.
Joubert syndrome. Also called: Familial aplasia of the vermis; JOUBERT-BOLTSHAUSER SYNDROME. Identifiers: Orphanet 475, MedGen C5979921, MONDO:0018772.
Meckel-Gruber syndrome. Also called: Dysencephalia splachnocystica; DYSENCEPHALIA SPLANCHNOCYSTICA; GRUBER SYNDROME. Identifiers: Orphanet 564, MedGen C0265215, MONDO:0018921.
TCTN2-related disorder. Also called: TCTN2-related disorders; TCTN2-related condition. Identifiers: MedGen CN239412.
Joubert syndrome 24 (JBTS24). Identifiers: Orphanet 475, MedGen C4084841, MONDO:0014724, OMIM 616654.
Meckel syndrome, type 8. Identifiers: Orphanet 564, MedGen C3836857, MONDO:0013482, OMIM 613885.

Allele frequency attached by ClinVar (database versions not stated): gnomAD exomes 0.00003 and 0.00004; ExAC 0.00004; TOPMed 0.00004; gnomAD 0.00005 and 0.00006.
gnomAD v4.1: 47 of 1,612,618 alleles (0.0029%); highest among the groups gnomAD compares: African/African-American, 0.016%; no homozygotes.

Submissions (5):

Ambry Genetics
Classification: Uncertain significance for Inborn genetic diseases. Last evaluated: 2025-05-15. Review status: criteria provided, single submitter. Criteria: Ambry Variant Classification Scheme 2023. Collection method: clinical testing. Allele origin: germline.

PreventionGenetics, part of Exact Sciences
Classification: Uncertain significance for TCTN2-related condition. Last evaluated: 2025-04-29. Review status: criteria provided, single submitter. Criteria: ACMG Guidelines, 2015. Collection method: clinical testing. Allele origin: germline.
Comment: The TCTN2 c.1724C>T variant is predicted to result in the amino acid substitution p.Ala575Val. To our knowledge, this variant has not been reported in the literature. This variant is reported in 0.018% of alleles in individuals of African descent in gnomAD. At this time, the clinical significance of this variant is uncertain due to the absence of conclusive functional and genetic evidence.

Blueprint Genetics
Classification: Uncertain significance. Last evaluated: 2024-07-15. Review status: criteria provided, single submitter. Criteria: ACMG Guidelines, 2015. Collection method: clinical testing. Allele origin: germline.

Fulgent Genetics
Classification: Uncertain significance for Meckel syndrome, type 8; Joubert syndrome 24. Last evaluated: 2024-03-25. Review status: criteria provided, single submitter. Criteria: ACMG Guidelines, 2015. Collection method: clinical testing. Allele origin: germline.

Labcorp Genetics (formerly Invitae), Labcorp
Classification: Uncertain significance for Joubert syndrome; Meckel-Gruber syndrome. Last evaluated: 2022-09-06. Review status: criteria provided, single submitter. Criteria: Invitae Variant Classification Sherloc (09022015). Collection method: clinical testing. Allele origin: germline.
Comment: This sequence change replaces alanine, which is neutral and non-polar, with valine, which is neutral and non-polar, at codon 575 of the TCTN2 protein (p.Ala575Val). This variant is present in population databases (rs763649240, gnomAD 0.02%). This variant has not been reported in the literature in individuals affected with TCTN2-related conditions. ClinVar contains an entry for this variant (Variation ID: 1498951). Algorithms developed to predict the effect of missense changes on protein structure and function output the following: SIFT: "Deleterious"; PolyPhen-2: "Benign"; Align-GVGD: "Class C0". The valine amino acid residue is found in multiple mammalian species, which suggests that this missense change does not adversely affect protein function. In summary, the available evidence is currently insufficient to determine the role of this variant in disease. Therefore, it has been classified as a Variant of Uncertain Significance.